The following is an entry in ClinVar:

NM_001384140.1(PCDH15):c.4254A>G (p.Ala1418=)

Gene: PCDH15 (protocadherin related 15; minus strand). Cytogenetic location: 10q21.1.
Variant type: single nucleotide variant.
Coding change: c.4254A>G on transcript NM_001384140.1 (MANE Select); coding-DNA position 4254, A replaced by G.
Protein change: p.Ala1418=; no amino-acid change (alanine 1418 retained).
Molecular consequence: synonymous variant.
Genome position (GRCh38, 1-based): chr10:53,827,506, T>C on the plus strand (A>G on the coding strand, the complement: PCDH15 is on the minus strand). VCF-style: chr10-53827506-T-C. GRCh37 (hg19) VCF-style: chr10-55587266-T-C.
Other names: c.4290A>G, p.Ala1430= (NM_001142769.4); c.4254A>G, p.Ala1418= (NM_001142770.3, NM_001142772.2, NM_001354420.2 and 3 more transcripts); c.4269A>G, p.Ala1423= (NM_001142771.2, NM_001142763.2); c.4179A>G, p.Ala1393= (NM_001142773.2); c.4188A>G, p.Ala1396= (NM_001354404.2, NM_001142768.2); c.4275A>G, p.Ala1425= (NM_001354411.2); c.4041A>G, p.Ala1347= (NM_001142765.2); c.4245A>G, p.Ala1415= (NM_001142766.2); and 1 more.
Identifiers: ClinVar variation 796557 (VCV000796557.12), dbSNP rs764548141, ClinGen allele CA5505388.

ClinVar aggregate classification (germline): Likely benign. Review status: criteria provided, multiple submitters, no conflicts (2 of 4 stars). 3 submissions from 3 submitters: Likely benign (3). Last evaluated 2026-09-23.

Conditions:
PCDH15-related disorder. Also called: PCDH15-related condition; PCDH15-related disorders.

Allele frequency attached by ClinVar (database versions not stated): TOPMed 0.00001; gnomAD 0.00002; ExAC 0.00005.
gnomAD v4.1: 68 of 1,613,968 alleles (0.0042%); highest among the groups gnomAD compares: Non-Finnish European, 0.0043%; no homozygotes.

Submissions (3):

PreventionGenetics, part of Exact Sciences
Classification: Likely benign for PCDH15-related condition. Last evaluated: 2026-09-23. Review status: criteria provided, single submitter. Criteria: ACMG Guidelines, 2015. Collection method: clinical testing. Allele origin: germline.
Comment: This variant is classified as likely benign based on ACMG/AMP sequence variant interpretation guidelines (Richards et al. 2015 PMID: 25741868, with internal and published modifications).

Labcorp Genetics (formerly Invitae), Labcorp
Classification: Likely benign. Last evaluated: 2026-01-24. Review status: criteria provided, single submitter. Criteria: Invitae Variant Classification Sherloc (09022015). Collection method: clinical testing. Allele origin: germline.

Blueprint Genetics
Classification: Likely benign. Last evaluated: 2024-06-07. Review status: criteria provided, single submitter. Criteria: ACMG Guidelines, 2015. Collection method: clinical testing. Allele origin: germline.